The following is an entry in ClinVar:

ClinVar aggregate classification (germline): Uncertain significance (1 of 4 stars; one submission).

Conditions:
Fanconi anemia (FA). Also called: Fanconi's anemia. Identifiers: Orphanet 84, MedGen C0015625, MeSH D005199, MONDO:0019391.

Allele frequency attached by ClinVar (database versions not stated): gnomAD 0.00001; gnomAD exomes 0.00001; TOPMed 0.00001; ExAC 0.00005.
gnomAD v4.1: 23 of 1,613,808 alleles (0.0014%); highest among the groups gnomAD compares: East Asian, 0.0045%; no homozygotes.

Submission:

Labcorp Genetics (formerly Invitae), Labcorp
Classification: Uncertain significance for Fanconi anemia. Last evaluated: 2023-02-27. Review status: criteria provided, single submitter. Criteria: Invitae Variant Classification Sherloc (09022015). Collection method: clinical testing. Allele origin: germline.
Comment: In summary, the available evidence is currently insufficient to determine the role of this variant in disease. Therefore, it has been classified as a Variant of Uncertain Significance. An algorithm developed to predict the effect of missense changes on protein structure and function (PolyPhen-2) suggests that this variant is likely to be disruptive. This variant has not been reported in the literature in individuals affected with SLX4-related conditions. This variant is present in population databases (rs766110479, gnomAD 0.006%). This sequence change replaces glutamic acid, which is acidic and polar, with lysine, which is basic and polar, at codon 1611 of the SLX4 protein (p.Glu1611Lys).

NM_032444.4(SLX4):c.4831G>A (p.Glu1611Lys)

Gene: SLX4 (SLX4 structure-specific endonuclease subunit; minus strand). Cytogenetic location: 16p13.3.
Variant type: single nucleotide variant.
Coding change: c.4831G>A on transcript NM_032444.4 (MANE Select); coding-DNA position 4831, G replaced by A.
Protein change: p.Glu1611Lys; replaces glutamic acid 1611 with lysine.
Molecular consequence: missense variant.
Genome position (GRCh38, 1-based): chr16:3,583,419, C>T on the plus strand (G>A on the coding strand, the complement: SLX4 is on the minus strand). VCF-style: chr16-3583419-C-T. GRCh37 (hg19) VCF-style: chr16-3633420-C-T.
Other names: short protein forms E1611K.
Identifiers: ClinVar variation 2916106 (VCV002916106.2), dbSNP rs766110479, ClinGen allele CA7865499.
Genomic context (GRCh38, chr16:3,583,419, plus strand): 5'-AGGCGAGGGTCTGGCAGTGAGGCGCCTGCAACAGCGGCTGTGAGGACTGGCTCTCGTCCT[C>T]GGAGTCTGAGTCCAGGGTCTGGTGAGTGTACTGGAATATCTCCTTCAGCTTCAGAACCAT-3'
Protein context (NP_115820.2, residues 1601-1621): YTHQTLDSDS[Glu1611Lys]DESQSSQPLL